The following is an entry in ClinVar:

NM_003331.5(TYK2):c.2459C>A (p.Pro820His)

Gene: TYK2 (tyrosine kinase 2; minus strand). Cytogenetic location: 19p13.2.
Variant type: single nucleotide variant.
Coding change: c.2459C>A on transcript NM_003331.5 (MANE Select); coding-DNA position 2459, C replaced by A.
Protein change: p.Pro820His; replaces proline 820 with histidine.
Molecular consequence: missense variant.
Genome position (GRCh38, 1-based): chr19:10,357,771, G>T on the plus strand (C>A on the coding strand, the complement: TYK2 is on the minus strand). VCF-style: chr19-10357771-G-T. GRCh37 (hg19) VCF-style: chr19-10468447-G-T.
Other names: p.Pro820His; c.2459C>A (LRG_121t1); short protein forms P820H.
Identifiers: ClinVar variation 536652 (VCV000536652.17), dbSNP rs34046749, ClinGen allele CA9193073.

ClinVar aggregate classification (germline): Benign/Likely benign. Review status: criteria provided, multiple submitters, no conflicts (2 of 4 stars). 5 submissions from 5 submitters: Benign (2); Likely benign (3). Last evaluated 2026-02-01.

Conditions:
Immunodeficiency 35 (IMD35). Also called: TYK2 DEFICIENCY; HIES WITH ATYPICAL MYCOBACTERIOSIS, AUTOSOMAL RECESSIVE; HYPER-IgE SYNDROME WITH ATYPICAL MYCOBACTERIOSIS, AUTOSOMAL RECESSIVE; Susceptibility to infection due to TYK2 deficiency. Identifiers: Orphanet 331226, MedGen C1969086, MONDO:0012682, OMIM 611521.

Allele frequency attached by ClinVar (database versions not stated): ESP Exome Variant Server 0.00846; gnomAD 0.00848 and 0.00806; 1000 Genomes Project 0.00859; TOPMed 0.00875; 1000 Genomes Project 30x 0.00999; gnomAD exomes 0.00178; ExAC 0.00344.
gnomAD v4.1: 2,273 of 1,609,950 alleles (0.14%); highest among the groups gnomAD compares: African/African-American, 2.7%; 25 homozygotes.

Submissions (5):

Labcorp Genetics (formerly Invitae), Labcorp
Classification: Benign for Immunodeficiency 35. Last evaluated: 2026-02-01. Review status: criteria provided, single submitter. Criteria: Invitae Variant Classification Sherloc (09022015). Collection method: clinical testing. Allele origin: germline.

Mayo Clinic Laboratories, Mayo Clinic
Classification: Likely benign. Last evaluated: 2025-10-16. Review status: criteria provided, single submitter. Criteria: ACMG Guidelines, 2015. Collection method: clinical testing. Allele origin: germline. Observed: 1 variant allele.
Comment: BS1

Blueprint Genetics
Classification: Likely benign. Last evaluated: 2024-11-01. Review status: criteria provided, single submitter. Criteria: ACMG Guidelines, 2015. Collection method: clinical testing. Allele origin: germline.

Illumina Laboratory Services, Illumina
Classification: Benign for Immunodeficiency 35. Last evaluated: 2018-01-13. Review status: criteria provided, single submitter. Criteria: ICSL Variant Classification Criteria 13 December 2019. Collection method: clinical testing. Allele origin: germline.
Comment: This variant was observed in the ICSL laboratory as part of a predisposition screen in an ostensibly healthy population. It had not been previously curated by ICSL or reported in the Human Gene Mutation Database (HGMD: prior to June 1st, 2018), and was therefore a candidate for classification through an automated scoring system. Utilizing variant allele frequency, disease prevalence and penetrance estimates, and inheritance mode, an automated score was calculated to assess if this variant is too frequent to cause the disease. Based on the score and internal cut-off values, a variant classified as benign is not then subjected to further curation. The score for this variant resulted in a classification of benign for this disease.

GeneDx
Classification: Likely benign. Last evaluated: 2017-11-22. Review status: criteria provided, single submitter. Criteria: GeneDx Variant Classification (06012015). Collection method: clinical testing. Allele origin: germline. Affected: yes.
Comment: This variant is considered likely benign or benign based on one or more of the following criteria: it is a conservative change, it occurs at a poorly conserved position in the protein, it is predicted to be benign by multiple in silico algorithms, and/or has population frequency not consistent with disease.